The following is an entry in ClinVar:

ClinVar aggregate classification (germline): Uncertain significance (1 of 4 stars; one submission).

gnomAD v4.1: 1 of 1,614,120 alleles (0.000062%); highest among the groups gnomAD compares: Non-Finnish European, 0.000085%; no homozygotes.

Submission:

Genetic Services Laboratory, University of Chicago
Classification: Uncertain significance. Last evaluated: 2023-05-10. Review status: criteria provided, single submitter. Criteria: ACMG Guidelines, 2015. Collection method: clinical testing. Allele origin: germline. Affected: no.
Comment: DNA sequence analysis of the ERCC4 gene demonstrated a sequence change, c.1543C>T, in exon 8 that results in an amino acid change, p.Arg515Cys. This sequence change does not appear to have been previously described in individuals with ERCC4-related disorders and has also not been described in population databases such as ExAC and gnomAD. The p.Arg515Cys change affects a poorly conserved amino acid residue located in a domain of the ERCC4 protein that is not known to be functional. The p.Arg515Cys substitution appears to be benign using several in-silico pathogenicity prediction tools (SIFT, PolyPhen2, Align GVGD, REVEL). Due to insufficient evidences and the lack of functional studies, the clinical significance of the p.Arg515Cys change remains unknown at this time.

NM_005236.3(ERCC4):c.1543C>T (p.Arg515Cys)

Gene: ERCC4 (ERCC excision repair 4, endonuclease catalytic subunit; plus strand). Cytogenetic location: 16p13.12.
Variant type: single nucleotide variant.
Coding change: c.1543C>T on transcript NM_005236.3 (MANE Select); coding-DNA position 1543, C replaced by T.
Protein change: p.Arg515Cys; replaces arginine 515 with cysteine.
Molecular consequence: missense variant.
Genome position (GRCh38, 1-based): chr16:13,935,475, C>T. VCF-style: chr16-13935475-C-T. GRCh37 (hg19) VCF-style: chr16-14029332-C-T.
Other names: short protein forms R515C.
Identifiers: ClinVar variation 4082424 (VCV004082424.2).